The following is an entry in ClinVar:

NC_000022.11:g.49624375A>T

Gene: MIR3667HG (MIR3667 host gene; minus strand). Cytogenetic location: 22q13.33.
Variant type: single nucleotide variant.
Genome position: GRCh38 VCF-style: chr22-49624375-A-T. GRCh37 (hg19) VCF-style: chr22-50018023-A-T.
Identifiers: ClinVar variation 3024815 (VCV003024815.22), dbSNP rs1196374470, ClinGen allele CA640361593.

ClinVar aggregate classification (germline): Likely benign (1 of 4 stars; one submission).

Submission:

CeGaT Center for Human Genetics Tuebingen
Classification: Likely benign. Last evaluated: 2024-01-01. Review status: criteria provided, single submitter. Criteria: CeGaT Center For Human Genetics Tuebingen Variant Classification Criteria Version 2. Collection method: clinical testing. Allele origin: germline. Affected: yes. Observed: 1 variant allele.
Comment: MIR3667HG: BP4, BP7